The following is an entry in ClinVar:

NM_001277115.2(DNAH11):c.3682A>G (p.Ile1228Val)

Gene: DNAH11 (dynein axonemal heavy chain 11; plus strand). Cytogenetic location: 7p15.3.
Variant type: single nucleotide variant.
Coding change: c.3682A>G on transcript NM_001277115.2 (MANE Select); coding-DNA position 3682, A replaced by G.
Protein change: p.Ile1228Val; replaces isoleucine 1228 with valine.
Molecular consequence: missense variant.
Genome position (GRCh38, 1-based): chr7:21,606,459, A>G. VCF-style: chr7-21606459-A-G. GRCh37 (hg19) VCF-style: chr7-21646077-A-G.
Other names: c.3682A>G, p.Ile1228Val (NM_003777.3); short protein forms I1228V.
Identifiers: ClinVar variation 1733898 (VCV001733898.2), dbSNP rs889893369, ClinGen allele CA366947891.

ClinVar aggregate classification (germline): Uncertain significance (1 of 4 stars; one submission).

Conditions:
Primary ciliary dyskinesia. Also called: Ciliary dyskinesia. Identifiers: Orphanet 244, MedGen C0008780, MONDO:0016575, HP:0012265.

Allele frequency attached by ClinVar (database versions not stated): gnomAD exomes below 0.00001.
gnomAD v4.1: 4 of 1,606,910 alleles (0.00025%); highest among the groups gnomAD compares: African/African-American, 0.0054%; no homozygotes.

Submission:

Ambry Genetics
Classification: Uncertain significance for Primary ciliary dyskinesia. Last evaluated: 2016-12-12. Review status: criteria provided, single submitter. Criteria: Ambry Variant Classification Scheme 2023. Collection method: clinical testing. Allele origin: germline.
Comment: The p.I1228V variant (also known as c.3682A>G), located in coding exon 19 of the DNAH11 gene, results from an A to G substitution at nucleotide position 3682. The isoleucine at codon 1228 is replaced by valine, an amino acid with highly similar properties. This amino acid position is not well conserved in available vertebrate species, and valine is the reference amino acid in other vertebrate species. In addition, this alteration is predicted to be tolerated by in silico analysis. Since supporting evidence is limited at this time, the clinical significance of this alteration remains unclear.